The following is an entry in ClinVar:

NM_002293.4(LAMC1):c.1669C>T (p.Arg557Trp)

Gene: LAMC1 (laminin subunit gamma 1; plus strand). Cytogenetic location: 1q25.3.
Variant type: single nucleotide variant.
Coding change: c.1669C>T on transcript NM_002293.4 (MANE Select); coding-DNA position 1669, C replaced by T.
Protein change: p.Arg557Trp; replaces arginine 557 with tryptophan.
Molecular consequence: missense variant.
Genome position (GRCh38, 1-based): chr1:183,117,424, C>T. VCF-style: chr1-183117424-C-T. GRCh37 (hg19) VCF-style: chr1-183086559-C-T.
Other names: short protein forms R557W.
Identifiers: ClinVar variation 719001 (VCV000719001.6), dbSNP rs150392886, ClinGen allele CA1281171.

ClinVar aggregate classification (germline): Benign. Review status: criteria provided, multiple submitters, no conflicts (2 of 4 stars). 3 submissions from 3 submitters: Benign (2). 1 of the submissions does not count toward it. Last evaluated 2018-07-06.

Conditions:
LAMC1-related disorder. Also called: LAMC1-related condition.

Allele frequency attached by ClinVar (database versions not stated): ESP Exome Variant Server 0.00008; gnomAD exomes 0.00039; gnomAD 0.00156; TOPMed 0.00158; ExAC 0.00182; 1000 Genomes Project 30x 0.00453; 1000 Genomes Project 0.00539.
gnomAD v4.1: 731 of 1,613,686 alleles (0.045%); highest among the groups gnomAD compares: East Asian, 1.4%; 14 homozygotes.

Submissions (3):

Labcorp Genetics (formerly Invitae), Labcorp
Classification: Benign. Last evaluated: 2018-07-06. Review status: criteria provided, single submitter. Criteria: Invitae Variant Classification Sherloc (09022015). Collection method: clinical testing. Allele origin: germline.

Breakthrough Genomics
Classification: Benign. Review status: criteria provided, single submitter. Criteria: ACMG Guidelines, 2015. Collection method: not provided. Allele origin: germline. Inheritance: Unknown mechanism. Affected: yes.

PreventionGenetics, part of Exact Sciences
Classification: Benign for LAMC1-related condition. Last evaluated: 2019-02-22. Review status: no assertion criteria provided. Collection method: clinical testing. Allele origin: germline. Not counted in ClinVar's aggregate classification.
Comment: This variant is classified as benign based on ACMG/AMP sequence variant interpretation guidelines (Richards et al. 2015 PMID: 25741868, with internal and published modifications).